The following is an entry in ClinVar:

NC_000003.12:g.169764871G>A

Genes: TERC (telomerase RNA component; minus strand), LOC110806306 (telomerase RNA component (TERC) promoter; plus strand). Cytogenetic location: 3q26.2.
Variant type: single nucleotide variant.
Genome position: GRCh38 VCF-style: chr3-169764871-G-A. GRCh37 (hg19) VCF-style: chr3-169482659-G-A.
Identifiers: ClinVar variation 2147463 (VCV002147463.4), dbSNP rs1321569057, ClinGen allele CA436715469.

ClinVar aggregate classification (germline): Uncertain significance (1 of 4 stars; one submission).

Conditions:
Dyskeratosis congenita, autosomal dominant 1 (DKCA1). Also called: Dyskeratosis congenita Scoggins type. Identifiers: Orphanet 1775, MedGen C4551974, MONDO:0007485, OMIM 127550. Inheritance: Variable.

Allele frequency attached by ClinVar (database versions not stated): gnomAD exomes below 0.00001.
gnomAD v4.1: 1 of 759,076 alleles (0.00013%); highest among the groups gnomAD compares: Admixed American, 0.0017%; no homozygotes.

Submission:

Labcorp Genetics (formerly Invitae), Labcorp
Classification: Uncertain significance for Dyskeratosis congenita, autosomal dominant 1. Last evaluated: 2022-06-29. Review status: criteria provided, single submitter. Criteria: Invitae Variant Classification Sherloc (09022015). Collection method: clinical testing. Allele origin: germline.
Comment: This variant occurs in the TERC gene, which encodes an RNA molecule that does not result in a protein product. The frequency data for this variant in the population databases is considered unreliable, as metrics indicate poor data quality at this position in the gnomAD database. This variant has not been reported in the literature in individuals affected with TERC-related conditions. This variant is located within the template/pseudoknot domain of the TERC RNA component, which is required for RNA or RNP stability (PMID: 15082312, 21844345). This variant is located in a region of TERC in which a significant number of disease causing variants have been reported (PMID: 15082312, 21844345, 21931702). These observations suggest that this may be a clinically significant region. In summary, the available evidence is currently insufficient to determine the role of this variant in disease. Therefore, it has been classified as a Variant of Uncertain Significance.

Literature cited by the submitters: PubMed 15082312; PubMed 21844345; PubMed 21931702.